The following is an entry in ClinVar:

NM_022124.6(CDH23):c.4845+1G>T

Gene: CDH23 (cadherin related 23; plus strand). Cytogenetic location: 10q22.1.
Variant type: single nucleotide variant.
Coding change: c.4845+1G>T on transcript NM_022124.6 (MANE Select); the canonical splice donor site of the intron after coding-DNA position 4845, G replaced by T.
Molecular consequence: splice donor variant.
Genome position (GRCh38, 1-based): chr10:71,741,922, G>T. VCF-style: chr10-71741922-G-T. GRCh37 (hg19) VCF-style: chr10-73501679-G-T.
Identifiers: ClinVar variation 5038445 (VCV005038445.1).

ClinVar aggregate classification (germline): Likely pathogenic (1 of 4 stars; one submission).

Conditions:
Usher syndrome type 1D (USH1D). Also called: USHER SYNDROME, TYPE ID. Identifiers: Orphanet 231169, Orphanet 886, MedGen C1832845, MONDO:0010984, OMIM 601067.

Submission:

Department of Clinical Genetics, Aarhus University Hospital
Classification: Likely pathogenic for Usher syndrome type 1D. Last evaluated: 2026-10-01. Review status: criteria provided, single submitter. Criteria: ACMG Guidelines, 2015. Collection method: clinical testing. Allele origin: biparental. Inheritance: Autosomal recessive inheritance. Affected: yes.
Comment: The variant is not present in gnomAD 4.1, and SpliceAI predicts it to affect splicing. The phenotype of the patient is very specific to Usher syndrome type 1. PVS1_Strong, PM2_Supporting, PP4_Supporting